The following is an entry in ClinVar:

ClinVar aggregate classification (germline): Uncertain significance. Review status: criteria provided, multiple submitters, no conflicts (2 of 4 stars). 4 submissions from 4 submitters: Uncertain significance (4). Last evaluated 2025-02-21.

Conditions:
Global developmental delay - lung cysts - overgrowth - Wilms tumor syndrome. Also called: GLOBAL DEVELOPMENTAL DELAY, LUNG CYSTS, OVERGROWTH, AND WILMS TUMOR; GLOW Syndrome. Identifiers: Orphanet 404476, MedGen C4748924, MONDO:0018445, OMIM 618272.
DICER1-related tumor predisposition. Also called: DICER1 syndrome; DICER1-related pleuropulmonary blastoma cancer predisposition syndrome. Identifiers: Orphanet 284343, MedGen C3839822, MONDO:0100216.
Hereditary cancer-predisposing syndrome. Also called: Neoplastic Syndromes, Hereditary; Tumor predisposition; Hereditary neoplastic syndrome; Hereditary Cancer Syndrome. Identifiers: Orphanet 140162, MedGen C0027672, MeSH D009386, MONDO:0015356.
Euthyroid goiter (MNG1). Also called: Goiter, multinodular 1, with or without Sertoli-Leydig cell tumors; GOITER, NONTOXIC, WITH INTRATHYROIDAL CALCIFICATION; MULTINODULAR GOITER, ADOLESCENT; SIMPLE GOITER. Identifiers: Orphanet 276399, MedGen C0302859, MONDO:0007681, OMIM 138800, HP:0009798.
Rhabdomyosarcoma, embryonal, 2 (RMSE2). Identifiers: MedGen C1867234, MONDO:0859046, OMIM 180295.
Pleuropulmonary blastoma (PPB). Identifiers: Orphanet 64742, MedGen C1266144, MONDO:0011014, OMIM 601200, HP:0100528.

Submissions (4):

Ambry Genetics
Classification: Uncertain significance for Hereditary cancer-predisposing syndrome. Last evaluated: 2025-02-21. Review status: criteria provided, single submitter. Criteria: Ambry Variant Classification Scheme 2023. Collection method: clinical testing. Allele origin: germline.
Comment: The p.I631V variant (also known as c.1891A>G), located in coding exon 10 of the DICER1 gene, results from an A to G substitution at nucleotide position 1891. The isoleucine at codon 631 is replaced by valine, an amino acid with highly similar properties. This amino acid position is highly conserved in available vertebrate species. In addition, this alteration is predicted to be tolerated by in silico analysis. Based on the available evidence, the clinical significance of this variant remains unclear.

Baylor Genetics
Classification: Uncertain significance for Global developmental delay - lung cysts - overgrowth - Wilms tumor syndrome. Last evaluated: 2024-03-07. Review status: criteria provided, single submitter. Criteria: ACMG Guidelines, 2015. Collection method: clinical testing. Allele origin: unknown.

Fulgent Genetics
Classification: Uncertain significance for Euthyroid goiter; Rhabdomyosarcoma, embryonal, 2; Pleuropulmonary blastoma; Global developmental delay - lung cysts - overgrowth - Wilms tumor syndrome. Last evaluated: 2024-03-06. Review status: criteria provided, single submitter. Criteria: ACMG Guidelines, 2015. Collection method: clinical testing. Allele origin: germline.

Labcorp Genetics (formerly Invitae), Labcorp
Classification: Uncertain significance for DICER1-related tumor predisposition. Last evaluated: 2018-10-23. Review status: criteria provided, single submitter. Criteria: Invitae Variant Classification Sherloc (09022015). Collection method: clinical testing. Allele origin: germline.
Comment: In summary, the available evidence is currently insufficient to determine the role of this variant in disease. Therefore, it has been classified as a Variant of Uncertain Significance. Algorithms developed to predict the effect of missense changes on protein structure and function (SIFT, PolyPhen-2, Align-GVGD) all suggest that this variant is likely to be disruptive, but these predictions have not been confirmed by published functional studies and their clinical significance is uncertain. This variant has not been reported in the literature in individuals with DICER1-related disease. This variant is not present in population databases (ExAC no frequency). This sequence change replaces isoleucine with valine at codon 631 of the DICER1 protein (p.Ile631Val). The isoleucine residue is highly conserved and there is a small physicochemical difference between isoleucine and valine.

NM_177438.3(DICER1):c.1891A>G (p.Ile631Val)

Gene: DICER1 (dicer 1, ribonuclease III; minus strand). Cytogenetic location: 14q32.13.
Variant type: single nucleotide variant.
Coding change: c.1891A>G on transcript NM_177438.3 (MANE Select); coding-DNA position 1891, A replaced by G.
Protein change: p.Ile631Val; replaces isoleucine 631 with valine.
Molecular consequence: missense variant.
Genome position (GRCh38, 1-based): chr14:95,115,683, T>C on the plus strand (A>G on the coding strand, the complement: DICER1 is on the minus strand). VCF-style: chr14-95115683-T-C. GRCh37 (hg19) VCF-style: chr14-95582020-T-C.
Other names: c.1891A>G, p.Ile631Val (NM_001195573.1, NM_001271282.3, NM_001291628.2 and 1 more transcripts); short protein forms I631V.
Identifiers: ClinVar variation 242052 (VCV000242052.18), dbSNP rs878855245, ClinGen allele CA10583216.